The following is an entry in ClinVar:

ClinVar aggregate classification (germline): Uncertain significance (1 of 4 stars; one submission).

Conditions:
Neurodevelopmental disorder with hypotonia and variable intellectual and behavioral abnormalities. Identifiers: MedGen C5231423, MONDO:0032829, OMIM 618603.

Submission:

Juno Genomics, Hangzhou Juno Genomics, Inc
Classification: Uncertain significance for Neurodevelopmental disorder with hypotonia and variable intellectual and behavioral abnormalities. Review status: criteria provided, single submitter. Criteria: ACMG Guidelines, 2015. Collection method: clinical testing. Allele origin: germline.
Comment: Absent from controls (or at extremely low frequency if recessive) in Genome Aggregation Database.;Missense variant in a gene that has a low rate of benign missense variation.;Multiple lines of computational evidence suggest no impact on gene or gene product.

NM_000937.5(POLR2A):c.5234G>A (p.Ser1745Asn)

Gene: POLR2A (RNA polymerase II subunit A; plus strand). Cytogenetic location: 17p13.1.
Variant type: single nucleotide variant.
Coding change: c.5234G>A on transcript NM_000937.5 (MANE Select); coding-DNA position 5234, G replaced by A.
Protein change: p.Ser1745Asn; replaces serine 1745 with asparagine.
Molecular consequence: missense variant.
Genome position (GRCh38, 1-based): chr17:7,513,498, G>A. VCF-style: chr17-7513498-G-A. GRCh37 (hg19) VCF-style: chr17-7416817-G-A.
Other names: short protein forms S1745N.
Identifiers: ClinVar variation 5019612 (VCV005019612.2).